The following is an entry in ClinVar:

ClinVar aggregate classification (germline): Pathogenic. Review status: criteria provided, multiple submitters, no conflicts (2 of 4 stars). 2 submissions from 2 submitters: Pathogenic (2). Last evaluated 2023-03-08.

Conditions:
Hereditary spherocytosis type 4. Also called: SLC4A1-Related Spherocytosis. Identifiers: Orphanet 822, MedGen C2675212, MONDO:0012981, OMIM 612653.

Submissions (2):

ARUP Laboratories, Molecular Genetics and Genomics, ARUP Laboratories
Classification: Pathogenic. Last evaluated: 2023-03-08. Review status: criteria provided, single submitter. Criteria: ARUP Molecular Germline Variant Investigation Process 2024. Collection method: clinical testing. Allele origin: germline.
Comment: The SLC4A1 c.1610dup; p.Ser538fs variant is reported in the literature in an individual with spherocytosis (Wang 2023). This variant is also reported in ClinVar (Variation ID: 1676960). This variant is absent from the Genome Aggregation Database, indicating it is not a common polymorphism. This variant causes a frameshift by inserting a single nucleotide, so it is predicted to result in a truncated protein or mRNA subject to nonsense-mediated decay. Based on available information, this variant is considered to be pathogenic. REFERENCES Wang WJ et al. Identification of variants in 94 Chinese patients with hereditary spherocytosis by next-generation sequencing. Clin Genet. 2023 Jan. PMID: 36203343

Jiangsu Institute of Hematology, the First Affiliated Hospital of Soochow University
Classification: Pathogenic for Hereditary spherocytosis type 4. Last evaluated: 2022-03-01. Review status: criteria provided, single submitter. Criteria: ACMG Guidelines, 2015. Collection method: research. Allele origin: inherited. Affected: yes.

NM_000342.4(SLC4A1):c.1610dup (p.Ser538fs)

Gene: SLC4A1 (solute carrier family 4 member 1 (Diego blood group); minus strand). Cytogenetic location: 17q21.31.
Variant type: Duplication.
Coding change: c.1610dup on transcript NM_000342.4 (MANE Select); coding-DNA position 1610, one base duplicated (T; older notation c.1610dupT).
Protein change: p.Ser538fs; shifts the reading frame from serine 538.
Molecular consequence: frameshift variant.
Genome position (GRCh38, 1-based): chr17:44,257,366, A duplicated on the plus strand (T on the coding strand, the reverse complement: SLC4A1 is on the minus strand); the first of 3 consecutive A bases (chr17:44,257,366-44,257,368); duplicating any one gives the same sequence. VCF-style (leftmost placement, unchanged base first): chr17-44257365-G-GA. GRCh37 (hg19) VCF-style: chr17-42334733-G-GA.
Other names: short protein forms S538fs.
Identifiers: ClinVar variation 1676960 (VCV001676960.2), dbSNP rs2047398183, ClinGen allele CA1139665631.